The following is an entry in ClinVar:

ClinVar aggregate classification (germline): Uncertain significance (1 of 4 stars; one submission).

Submission:

Labcorp Genetics (formerly Invitae), Labcorp
Classification: Uncertain significance. Last evaluated: 2020-03-27. Review status: criteria provided, single submitter. Criteria: Invitae Variant Classification Sherloc (09022015). Collection method: clinical testing. Allele origin: germline.
Comment: This variant results in a copy number gain of the genomic region encompassing exons 21-23 of the COL4A4 gene. While the exact position of this variant cannot be determined from the data, sub-genic copy number gains are generally in tandem (PMID: 25640679). This variant is predicted to be in-frame, and likely preserves the integrity of the reading frame. This variant has not been reported in the literature in individuals with COL4A4-related conditions. Experimental studies and prediction algorithms are not available or were not evaluated, and the functional significance of this variant is currently unknown. In summary, the available evidence is currently insufficient to determine the role of this variant in disease. Therefore, it has been classified as a Variant of Uncertain Significance.

Literature cited by the submitters: PubMed 25640679.

NC_000002.11:g.(?_227946831)_(227954673_?)dup

Gene: COL4A4 (collagen type IV alpha 4 chain; minus strand). Cytogenetic location: 2q36.3.
Variant type: Duplication.
Identifiers: ClinVar variation 1019310 (VCV001019310.1).